The following is an entry in ClinVar:

ClinVar aggregate classification (germline): Uncertain significance (1 of 4 stars; one submission).

Conditions:
Cardiovascular phenotype. Identifiers: MedGen CN230736.

Submission:

Ambry Genetics
Classification: Uncertain significance for Cardiovascular phenotype. Last evaluated: 2026-08-08. Review status: criteria provided, single submitter. Criteria: Ambry Variant Classification Scheme 2023. Collection method: clinical testing. Allele origin: germline.
Comment: The p.M2087I variant (also known as c.6261G>T), located in coding exon 17 of the TNXB gene, results from a G to T substitution at nucleotide position 6261. The methionine at codon 2087 is replaced by isoleucine, an amino acid with highly similar properties. This amino acid position is conserved. In addition, this alteration is predicted to be tolerated by in silico analysis. Based on the available evidence, the clinical significance of this variant remains unclear.

NM_001365276.2(TNXB):c.6261G>T (p.Met2087Ile)

Gene: TNXB (tenascin XB; minus strand). Cytogenetic location: 6p21.33.
Variant type: single nucleotide variant.
Coding change: c.6261G>T on transcript NM_001365276.2 (MANE Select); coding-DNA position 6261, G replaced by T.
Protein change: p.Met2087Ile; replaces methionine 2087 with isoleucine.
Molecular consequence: missense variant.
Genome position (GRCh38, 1-based): chr6:32,067,944, C>A on the plus strand (G>T on the coding strand, the complement: TNXB is on the minus strand). VCF-style: chr6-32067944-C-A. GRCh37 (hg19) VCF-style: chr6-32035721-C-A.
Other names: c.7002G>T, p.Met2334Ile (NM_001428335.1); c.6261G>T, p.Met2087Ile (NM_019105.8); short protein forms M2087I, M2334I.
Identifiers: ClinVar variation 5031038 (VCV005031038.1).